The following is an entry in ClinVar:

ClinVar aggregate classification (germline): Uncertain significance (1 of 4 stars; one submission).

Conditions:
Cystic fibrosis (CF). Also called: MUCOVISCIDOSIS. Identifiers: Orphanet 586, MedGen C0010674, MONDO:0009061, OMIM 219700. Disease mechanism: loss of function.

Allele frequency attached by ClinVar (database versions not stated): gnomAD 0.00001; gnomAD exomes 0.00001; TOPMed below 0.00001.
gnomAD v4.1: 5 of 1,613,434 alleles (0.00031%); highest among the groups gnomAD compares: East Asian, 0.0022%; no homozygotes.

Submission:

Labcorp Genetics (formerly Invitae), Labcorp
Classification: Uncertain significance for Cystic fibrosis. Last evaluated: 2022-06-13. Review status: criteria provided, single submitter. Criteria: Invitae Variant Classification Sherloc (09022015). Collection method: clinical testing. Allele origin: germline.
Comment: This sequence change replaces isoleucine, which is neutral and non-polar, with threonine, which is neutral and polar, at codon 1103 of the CFTR protein (p.Ile1103Thr). This variant is not present in population databases (gnomAD no frequency). This variant has not been reported in the literature in individuals affected with CFTR-related conditions. Algorithms developed to predict the effect of missense changes on protein structure and function (SIFT, PolyPhen-2, Align-GVGD) all suggest that this variant is likely to be tolerated. In summary, the available evidence is currently insufficient to determine the role of this variant in disease. Therefore, it has been classified as a Variant of Uncertain Significance.

NM_000492.4(CFTR):c.3308T>C (p.Ile1103Thr)

Genes: CFTR (CF transmembrane conductance regulator; plus strand), CFTR-AS2 (CFTR antisense RNA 2; minus strand), LOC111674472 (DNase I hypersensitive sites in introns 16 and 17a of CFTR; plus strand). Cytogenetic location: 7q31.2.
Variant type: single nucleotide variant.
Coding change: c.3308T>C on transcript NM_000492.4 (MANE Select); coding-DNA position 3308, T replaced by C.
Protein change: p.Ile1103Thr; replaces isoleucine 1103 with threonine.
Molecular consequence: missense variant.
Genome position (GRCh38, 1-based): chr7:117,611,749, T>C. VCF-style: chr7-117611749-T-C. GRCh37 (hg19) VCF-style: chr7-117251803-T-C.
Other names: short protein forms I1103T.
Identifiers: ClinVar variation 1366360 (VCV001366360.5), dbSNP rs1161781532, ClinGen allele CA368992474.